The following is an entry in ClinVar:

ClinVar aggregate classification (germline): Uncertain significance (1 of 4 stars; one submission).

Submission:

Labcorp Genetics (formerly Invitae), Labcorp
Classification: Uncertain significance. Last evaluated: 2025-07-29. Review status: criteria provided, single submitter. Criteria: Invitae Variant Classification Sherloc (09022015). Collection method: clinical testing. Allele origin: germline.
Comment: This sequence change replaces aspartic acid, which is acidic and polar, with valine, which is neutral and non-polar, at codon 125 of the DDR2 protein (p.Asp125Val). This variant is not present in population databases (gnomAD no frequency). This variant has not been reported in the literature in individuals affected with DDR2-related conditions. An algorithm developed to predict the effect of missense changes on protein structure and function (PolyPhen-2) suggests that this variant is likely to be disruptive. In summary, the available evidence is currently insufficient to determine the role of this variant in disease. Therefore, it has been classified as a Variant of Uncertain Significance.

NM_006182.4(DDR2):c.374A>T (p.Asp125Val)

Gene: DDR2 (discoidin domain receptor tyrosine kinase 2; plus strand). Cytogenetic location: 1q23.3.
Variant type: single nucleotide variant.
Coding change: c.374A>T on transcript NM_006182.4 (MANE Select); coding-DNA position 374, A replaced by T.
Protein change: p.Asp125Val; replaces aspartic acid 125 with valine.
Molecular consequence: missense variant.
Genome position (GRCh38, 1-based): chr1:162,754,812, A>T. VCF-style: chr1-162754812-A-T. GRCh37 (hg19) VCF-style: chr1-162724602-A-T.
Other names: c.374A>T, p.Asp125Val (NM_001014796.3, NM_001354982.2, NM_001354983.2); short protein forms D125V.
Identifiers: ClinVar variation 4774640 (VCV004774640.1).